The following is an entry in ClinVar:

ClinVar aggregate classification (germline): Likely benign. Review status: criteria provided, multiple submitters, no conflicts (2 of 4 stars). 2 submissions from 2 submitters: Likely benign (2). Last evaluated 2026-01-14.

Conditions:
Neuronal ceroid lipofuscinosis 1 (CLN1). Also called: PPT1-Related Neuronal Ceroid-Lipofuscinosis; CEROID LIPOFUSCINOSIS, NEURONAL, 1, VARIABLE AGE AT ONSET. Identifiers: Orphanet 228329, MedGen C1850451, MONDO:0009744, OMIM 256730.

Allele frequency attached by ClinVar (database versions not stated): ExAC 0.00001; gnomAD exomes 0.00001 and 0.00002; gnomAD 0.00002; TOPMed 0.00003.
gnomAD v4.1: 17 of 1,612,396 alleles (0.0011%); highest among the groups gnomAD compares: Non-Finnish European, 0.0013%; no homozygotes.

Submissions (2):

Labcorp Genetics (formerly Invitae), Labcorp
Classification: Likely benign for Neuronal ceroid lipofuscinosis 1. Last evaluated: 2026-01-14. Review status: criteria provided, single submitter. Criteria: Invitae Variant Classification Sherloc (09022015). Collection method: clinical testing. Allele origin: germline.

GeneDx
Classification: Likely benign. Last evaluated: 2017-07-06. Review status: criteria provided, single submitter. Criteria: GeneDx Variant Classification (06012015). Collection method: clinical testing. Allele origin: germline. Affected: yes.
Comment: This variant is considered likely benign or benign based on one or more of the following criteria: it is a conservative change, it occurs at a poorly conserved position in the protein, it is predicted to be benign by multiple in silico algorithms, and/or has population frequency not consistent with disease.

NM_000310.4(PPT1):c.141T>C (p.Asn47=)

Gene: PPT1 (palmitoyl-protein thioesterase 1; minus strand). Cytogenetic location: 1p34.2.
Variant type: single nucleotide variant.
Coding change: c.141T>C on transcript NM_000310.4 (MANE Select); coding-DNA position 141, T replaced by C.
Protein change: p.Asn47=; no amino-acid change (asparagine 47 retained).
Molecular consequence: synonymous variant. On other transcripts: intron variant (1).
Genome position (GRCh38, 1-based): chr1:40,092,491, A>G on the plus strand (T>C on the coding strand, the complement: PPT1 is on the minus strand). VCF-style: chr1-40092491-A-G. GRCh37 (hg19) VCF-style: chr1-40558163-A-G.
Other names: c.141T>C, p.Asn47= (NM_001363695.2); c.125-2979T>C (NM_001142604.2).
Identifiers: ClinVar variation 510625 (VCV000510625.9), dbSNP rs756148014, ClinGen allele CA789793.